The following is an entry in ClinVar:

ClinVar aggregate classification (germline): Uncertain significance (1 of 4 stars; one submission).

Conditions:
Hereditary breast ovarian cancer syndrome. Also called: Hereditary breast and/or ovarian cancer syndrome; Breast and ovarian cancer; Hereditary breast and ovarian cancer; BRCA1- and BRCA2-Associated Hereditary Breast and Ovarian Cancer; Hereditary breast and ovarian cancer syndrome; Hereditary breast and ovarian cancer syndrome (HBOC). Identifiers: Orphanet 145, MedGen C0677776, MeSH D061325, MONDO:0003582. Disease mechanism: loss of function.

Submission:

Labcorp Genetics (formerly Invitae), Labcorp
Classification: Uncertain significance for Hereditary breast ovarian cancer syndrome. Last evaluated: 2021-08-30. Review status: criteria provided, single submitter. Criteria: Invitae Variant Classification Sherloc (09022015). Collection method: clinical testing. Allele origin: germline.
Comment: This sequence change replaces proline with serine at codon 2992 of the BRCA2 protein (p.Pro2992Ser). The proline residue is highly conserved and there is a moderate physicochemical difference between proline and serine. This variant is not present in population databases (ExAC no frequency). In summary, the available evidence is currently insufficient to determine the role of this variant in disease. Therefore, it has been classified as a Variant of Uncertain Significance. Advanced modeling of protein sequence and biophysical properties (such as structural, functional, and spatial information, amino acid conservation, physicochemical variation, residue mobility, and thermodynamic stability) performed at Invitae indicates that this missense variant is not expected to disrupt BRCA2 protein function. This variant has not been reported in the literature in individuals affected with BRCA2-related conditions.

NM_000059.4(BRCA2):c.8974C>T (p.Pro2992Ser)

Gene: BRCA2 (BRCA2 DNA repair associated; plus strand). Cytogenetic location: 13q13.1.
Variant type: single nucleotide variant.
Coding change: c.8974C>T on transcript NM_000059.4 (MANE Select); coding-DNA position 8974, C replaced by T.
Protein change: p.Pro2992Ser; replaces proline 2992 with serine.
Molecular consequence: missense variant.
Genome position (GRCh38, 1-based): chr13:32,379,770, C>T. VCF-style: chr13-32379770-C-T. GRCh37 (hg19) VCF-style: chr13-32953907-C-T.
Other names: short protein forms P2992S.
Identifiers: ClinVar variation 1515964 (VCV001515964.6), dbSNP rs2072907725, ClinGen allele CA387757395.